The following is an entry in ClinVar:

NM_012463.4(ATP6V0A2):c.2136C>G (p.His712Gln)

Gene: ATP6V0A2 (ATPase H+ transporting V0 subunit a2; plus strand). Cytogenetic location: 12q24.31.
Variant type: single nucleotide variant.
Coding change: c.2136C>G on transcript NM_012463.4 (MANE Select); coding-DNA position 2136, C replaced by G.
Protein change: p.His712Gln; replaces histidine 712 with glutamine.
Molecular consequence: missense variant.
Genome position (GRCh38, 1-based): chr12:123,752,363, C>G. VCF-style: chr12-123752363-C-G. GRCh37 (hg19) VCF-style: chr12-124236910-C-G.
Other names: short protein forms H712Q.
Identifiers: ClinVar variation 3348590 (VCV003348590.1).

ClinVar aggregate classification (germline): Uncertain significance (0 of 4 stars; one submission).

Conditions:
ATP6V0A2-related disorder. Also called: ATP6V0A2-related condition.

Submission:

PreventionGenetics, part of Exact Sciences
Classification: Uncertain significance for ATP6V0A2-related condition. Last evaluated: 2024-03-18. Review status: no assertion criteria provided. Collection method: clinical testing. Allele origin: germline.
Comment: The ATP6V0A2 c.2136C>G variant is predicted to result in the amino acid substitution p.His712Gln. To our knowledge, this variant has not been reported in the literature or in a large population database, indicating this variant is rare. At this time, the clinical significance of this variant is uncertain due to the absence of conclusive functional and genetic evidence.